The following is an entry in ClinVar:

NM_000088.4(COL1A1):c.268G>T (p.Glu90Ter)

Gene: COL1A1 (collagen type I alpha 1 chain; minus strand). Cytogenetic location: 17q21.33.
Variant type: single nucleotide variant.
Coding change: c.268G>T on transcript NM_000088.4 (MANE Select); coding-DNA position 268, G replaced by T.
Protein change: p.Glu90Ter; replaces glutamic acid 90 with a stop codon.
Molecular consequence: nonsense.
Genome position (GRCh38, 1-based): chr17:50,199,783, C>A on the plus strand (G>T on the coding strand, the complement: COL1A1 is on the minus strand). VCF-style: chr17-50199783-C-A. GRCh37 (hg19) VCF-style: chr17-48277144-C-A.
Other names: short protein forms E90*.
Identifiers: ClinVar variation 1458752 (VCV001458752.9), dbSNP rs748550422, ClinGen allele CA400228096.

ClinVar aggregate classification (germline): Pathogenic. Review status: criteria provided, multiple submitters, no conflicts (2 of 4 stars). 2 submissions from 2 submitters: Pathogenic (2). Last evaluated 2023-09-19.

Conditions:
COL1A1-related disorder. Also called: COL1A1- related disease; COL1A1-related condition.
Osteogenesis imperfecta type I (OI1). Also called: Lobstein disease; Classic Non-deforming Osteogenesis Imperfecta with Blue Sclerae; OI, TYPE I; OSTEOGENESIS IMPERFECTA TARDA; OSTEOGENESIS IMPERFECTA WITH BLUE SCLERAE; Osteogenesis imperfecta type 1. Identifiers: Orphanet 216796, Orphanet 666, MedGen C0023931, MONDO:0008146, OMIM 166200. Disease mechanism: loss of function.

Submissions (2):

Blueprint Genetics
Classification: Pathogenic for COL1A1-related disorders. Last evaluated: 2023-09-19. Review status: criteria provided, single submitter. Criteria: ACMG Guidelines, 2015. Collection method: clinical testing. Allele origin: germline. Affected: yes. Observed: 1 variant allele.

Labcorp Genetics (formerly Invitae), Labcorp
Classification: Pathogenic for Osteogenesis imperfecta type I. Last evaluated: 2023-06-25. Review status: criteria provided, single submitter. Criteria: Invitae Variant Classification Sherloc (09022015). Collection method: clinical testing. Allele origin: germline.
Comment: This sequence change creates a premature translational stop signal (p.Glu90*) in the COL1A1 gene. It is expected to result in an absent or disrupted protein product. Loss-of-function variants in COL1A1 are known to be pathogenic (PMID: 7942841, 9295084, 9443882). This variant is not present in population databases (gnomAD no frequency). This premature translational stop signal has been observed in individual(s) with osteogenesis imperfecta (PMID: 27748872). ClinVar contains an entry for this variant (Variation ID: 1458752). For these reasons, this variant has been classified as Pathogenic.

Literature cited by the submitters: PubMed 7942841 (cited by Labcorp Genetics (formerly Invitae), Labcorp); PubMed 9295084 (cited by Labcorp Genetics (formerly Invitae), Labcorp); PubMed 9443882 (cited by Labcorp Genetics (formerly Invitae), Labcorp); PubMed 27748872 (cited by Labcorp Genetics (formerly Invitae), Labcorp).